The following is an entry in ClinVar:

ClinVar aggregate classification (germline): Benign/Likely benign. Review status: criteria provided, multiple submitters, no conflicts (2 of 4 stars). 3 submissions from 3 submitters: Benign (1); Likely benign (2). Last evaluated 2024-08-30.

Conditions:
Familial cancer of breast. Also called: Hereditary breast cancer; hereditary breast carcinoma; BREAST CANCER, FAMILIAL. Identifiers: Orphanet 227535, MedGen C0346153, MONDO:0016419, OMIM 114480. Disease mechanism: loss of function.
Fanconi anemia complementation group J. Also called: BRIP1-Related Fanconi Anemia. Identifiers: Orphanet 84, MedGen C1836860, MONDO:0012187, OMIM 609054.
Hereditary cancer-predisposing syndrome. Also called: Hereditary Cancer Syndrome; Neoplastic Syndromes, Hereditary; Hereditary neoplastic syndrome; Tumor predisposition. Identifiers: Orphanet 140162, MedGen C0027672, MeSH D009386, MONDO:0015356.

Allele frequency attached by ClinVar (database versions not stated): TOPMed below 0.00001.

Submissions (3):

Myriad Genetics, Inc.
Classification: Benign for Familial cancer of breast. Last evaluated: 2024-08-30. Review status: criteria provided, single submitter. Criteria: Myriad Autosomal Dominant, Autosomal Recessive and X-Linked Classification Criteria (2023). Collection method: clinical testing. Allele origin: unknown.
Comment: This variant is considered benign. This variant is a silent/synonymous amino acid change and it is not expected to impact splicing.

Labcorp Genetics (formerly Invitae), Labcorp
Classification: Likely benign for Familial cancer of breast; Fanconi anemia complementation group J. Last evaluated: 2021-10-02. Review status: criteria provided, single submitter. Criteria: Invitae Variant Classification Sherloc (09022015). Collection method: clinical testing. Allele origin: germline.

Ambry Genetics
Classification: Likely benign for Hereditary cancer-predisposing syndrome. Last evaluated: 2019-03-30. Review status: criteria provided, single submitter. Criteria: Ambry Variant Classification Scheme 2023. Collection method: clinical testing. Allele origin: germline.

NM_032043.3(BRIP1):c.1857A>C (p.Pro619=)

Gene: BRIP1 (BRCA1 interacting DNA helicase 1; minus strand). Cytogenetic location: 17q23.2.
Variant type: single nucleotide variant.
Coding change: c.1857A>C on transcript NM_032043.3 (MANE Select); coding-DNA position 1857, A replaced by C.
Protein change: p.Pro619=; no amino-acid change (proline 619 retained).
Molecular consequence: synonymous variant.
Genome position (GRCh38, 1-based): chr17:61,780,339, T>G on the plus strand (A>C on the coding strand, the complement: BRIP1 is on the minus strand). VCF-style: chr17-61780339-T-G. GRCh37 (hg19) VCF-style: chr17-59857700-T-G.
Identifiers: ClinVar variation 820165 (VCV000820165.14), dbSNP rs1603333212, ClinGen allele CA501150387.